The following is an entry in ClinVar:

ClinVar aggregate classification (germline): Likely benign (1 of 4 stars; one submission).

Submission:

CeGaT Center for Human Genetics Tuebingen
Classification: Likely benign. Last evaluated: 2023-09-01. Review status: criteria provided, single submitter. Criteria: CeGaT Center For Human Genetics Tuebingen Variant Classification Criteria Version 2. Collection method: clinical testing. Allele origin: germline. Affected: yes. Observed: 2 variant alleles.
Comment: ZMIZ1: BP4, BP7

NM_020338.4(ZMIZ1):c.1317A>C (p.Pro439=)

Gene: ZMIZ1 (zinc finger MIZ-type containing 1; plus strand). Cytogenetic location: 10q22.3.
Variant type: single nucleotide variant.
Coding change: c.1317A>C on transcript NM_020338.4 (MANE Select); coding-DNA position 1317, A replaced by C.
Protein change: p.Pro439=; no amino-acid change (proline 439 retained).
Molecular consequence: synonymous variant.
Genome position (GRCh38, 1-based): chr10:79,296,557, A>C. VCF-style: chr10-79296557-A-C. GRCh37 (hg19) VCF-style: chr10-81056314-A-C.
Identifiers: ClinVar variation 2640636 (VCV002640636.24), dbSNP rs1036853428, ClinGen allele CA470393211.
Genomic context (GRCh38, chr10:79,296,557, plus strand): 5'-ACCAAACAGCCAGTTCCCCACCCAGCCAGGCCAGTACCCAGCCCCCAACCCCCCGAGGCC[A>C]CTCACCTCCCCCAACTACCCAGGACAGAGGATGCCCAGCCAGCCGAGCTCCGGGCAGTAC-3'
Protein context (NP_065071.1, residues 429-449): GQYPAPNPPR[Pro439=]LTSPNYPGQR